The following is an entry in ClinVar:

NM_006348.5(COG5):c.206G>A (p.Ser69Asn)

Gene: COG5 (component of oligomeric golgi complex 5; minus strand). Cytogenetic location: 7q22.3.
Variant type: single nucleotide variant.
Coding change: c.206G>A on transcript NM_006348.5 (MANE Select); coding-DNA position 206, G replaced by A.
Protein change: p.Ser69Asn; replaces serine 69 with asparagine.
Molecular consequence: missense variant.
Genome position (GRCh38, 1-based): chr7:107,558,004, C>T on the plus strand (G>A on the coding strand, the complement: COG5 is on the minus strand). VCF-style: chr7-107558004-C-T. GRCh37 (hg19) VCF-style: chr7-107198449-C-T.
Other names: c.206G>A, p.Ser69Asn (NM_001161520.2, NM_001379511.1, NM_001379512.1 and 5 more transcripts); short protein forms S69N.
Identifiers: ClinVar variation 1414206 (VCV001414206.4), dbSNP rs372287766, ClinGen allele CA164169379.

ClinVar aggregate classification (germline): Uncertain significance (1 of 4 stars; one submission).

Conditions:
COG5-congenital disorder of glycosylation. Also called: CDG IIi; CONGENITAL DISORDER OF GLYCOSYLATION, TYPE IIi; COG5-CDG. Identifiers: Orphanet 263487, MedGen C3150876, MONDO:0013325, OMIM 613612.

Allele frequency attached by ClinVar (database versions not stated): gnomAD 0.00001; gnomAD exomes 0.00001; TOPMed 0.00001; ESP Exome Variant Server 0.00008.
gnomAD v4.1: 21 of 1,613,792 alleles (0.0013%); highest among the groups gnomAD compares: Non-Finnish European, 0.0018%; no homozygotes.

Submission:

Labcorp Genetics (formerly Invitae), Labcorp
Classification: Uncertain significance for COG5-congenital disorder of glycosylation. Last evaluated: 2024-03-13. Review status: criteria provided, single submitter. Criteria: Invitae Variant Classification Sherloc (09022015). Collection method: clinical testing. Allele origin: germline.
Comment: This sequence change replaces serine, which is neutral and polar, with asparagine, which is neutral and polar, at codon 100 of the COG5 protein (p.Ser100Asn). This variant is present in population databases (rs372287766, gnomAD 0.003%). This variant has not been reported in the literature in individuals affected with COG5-related conditions. ClinVar contains an entry for this variant (Variation ID: 1414206). An algorithm developed to predict the effect of missense changes on protein structure and function (PolyPhen-2) suggests that this variant¬†is likely to be tolerated. In summary, the available evidence is currently insufficient to determine the role of this variant in disease. Therefore, it has been classified as a Variant of Uncertain Significance.